The following is an entry in ClinVar:

NM_012448.4(STAT5B):c.1896G>T (p.Lys632Asn)

Gene: STAT5B (signal transducer and activator of transcription 5B; minus strand). Cytogenetic location: 17q21.2.
Variant type: single nucleotide variant.
Coding change: c.1896G>T on transcript NM_012448.4 (MANE Select); coding-DNA position 1896, G replaced by T.
Protein change: p.Lys632Asn; replaces lysine 632 with asparagine.
Molecular consequence: missense variant.
Genome position (GRCh38, 1-based): chr17:42,210,181, C>A on the plus strand (G>T on the coding strand, the complement: STAT5B is on the minus strand). VCF-style: chr17-42210181-C-A. GRCh37 (hg19) VCF-style: chr17-40362199-C-A.
Other names: HGVS:NP_036580.2:p.(Lys632Asn); short protein forms K632N.
Identifiers: ClinVar variation 2446384 (VCV002446384.3), dbSNP rs2508724440, ClinGen allele CA399576558.

ClinVar aggregate classification (germline): Likely pathogenic (1 of 4 stars; one submission).

Conditions:
Growth hormone insensitivity syndrome with immune dysregulation 2, autosomal dominant. Identifiers: MedGen C5436546, MONDO:0100219, OMIM 618985.

Submission:

Laboratorio de Genomica, Unidad de Medicina Traslacional, Hospital de Ninos R. Gutierrez
Classification: Likely pathogenic for Growth hormone insensitivity syndrome with immune dysregulation 2, autosomal dominant. Last evaluated: 2023-03-22. Review status: criteria provided, single submitter. Criteria: ACMG Guidelines, 2015. Collection method: clinical testing, in vivo. Allele origin: germline, not applicable. Affected: yes. Observed: 1 heterozygote. Functional consequence: dominant_negative_variant. Segregation with disease not observed.
Comment: This sequence change replaces lysine with asparagine at codon 632 of the STAT5b protein. STAT5B gene has a low rate of benign missense variants (missense Z score: 4, PP2). The lysine 632, located in the SH2 domain of STAT5b, is highly conserved among STAT5b from different species. SH2 domain has a regional missense constraint score of 0,36 without benign variants (PM1). This variant is absent in population frequency databases (GnomAD, PM2_supp). Web-based in silico software analysis yielded heterogeneous results but is considered benign according to REVEL (REVEL score: 0,155, BP4_mod). In vitro and in vivo studies demonstrate that this variant has an impact on protein function (PMID: 31902742. PS3). In summary, the available evidence supports the classification of this variant as Likely Pathogenic regarding short stature and GH insensitivity phenotypes according to ACMG criteria and the recommendations of the ClinGen Sequence Variant Interpretation Working Group (SVI WG) (6 points according to the following criteria: PM2_supp:+1, PP2:+1, PM1:+2, PS3:+4, BP4_mod:-2).

Literature cited by the submitters: PubMed 31902742.